The following is an entry in ClinVar:

NM_001197104.2(KMT2A):c.10507del (p.Ala3503fs)

Gene: KMT2A (lysine methyltransferase 2A; plus strand). Cytogenetic location: 11q23.3.
Variant type: Deletion.
Coding change: c.10507del on transcript NM_001197104.2 (MANE Select); coding-DNA position 10507, one base deleted (G; older notation c.10507delG).
Protein change: p.Ala3503fs; shifts the reading frame from alanine 3503.
Molecular consequence: frameshift variant.
Genome position (GRCh38, 1-based): chr11:118,506,399, G deleted; the last of 2 consecutive G bases (chr11:118,506,398-118,506,399); deleting either gives the same sequence. VCF-style (leftmost placement, unchanged base first): chr11-118506397-AG-A. GRCh37 (hg19) VCF-style: chr11-118377112-AG-A.
Other names: c.10597del, p.Ala3533fs (NM_001412597.1); c.10498del, p.Ala3500fs (NM_005933.4); short protein forms A3500fs, A3503fs, A3533fs.
Identifiers: ClinVar variation 4056548 (VCV004056548.1).

ClinVar aggregate classification (germline): Likely pathogenic (1 of 4 stars; one submission).

Conditions:
Wiedemann-Steiner syndrome (WDSTS). Also called: Growth deficiency and mental retardation with facial dysmorphism. Identifiers: Orphanet 319182, MedGen C1854630, MONDO:0011518, OMIM 605130.

Submission:

Laboratorio de Genetica e Diagnostico Molecular, Hospital Israelita Albert Einstein
Classification: Likely pathogenic for Wiedemann-Steiner syndrome. Last evaluated: 2024-05-21. Review status: criteria provided, single submitter. Criteria: ACMG Guidelines, 2015. Collection method: clinical testing. Allele origin: germline. Affected: yes.
Comment: ACMG classification criteria: PVS1 very strong, PM2 supporting